The following is an entry in ClinVar:

NM_006420.3(ARFGEF2):c.1425+5G>A

Gene: ARFGEF2 (ARF guanine nucleotide exchange factor 2; plus strand). Cytogenetic location: 20q13.13.
Variant type: single nucleotide variant.
Coding change: c.1425+5G>A on transcript NM_006420.3 (MANE Select); 5 bases into the intron after coding-DNA position 1425, G replaced by A.
Molecular consequence: intron variant.
Genome position (GRCh38, 1-based): chr20:48,971,359, G>A. VCF-style: chr20-48971359-G-A. GRCh37 (hg19) VCF-style: chr20-47587896-G-A.
Other names: c.1422+5G>A (NM_001410846.1).
Identifiers: ClinVar variation 4839259 (VCV004839259.1).
Genomic context (GRCh38, chr20:48,971,359, plus strand): 5'-CCATTTTTCTTACTCTTCTTTCAAACTTTAAAATGCACTTGAAAATGCAGATAGAGGTAC[G>A]GATTCCAAAGTTTTTTCATTTCATTATTTACTATTATTATTAGTCATTAATTATAATACT-3'

ClinVar aggregate classification (germline): Uncertain significance (1 of 4 stars; one submission).

Conditions:
Inborn genetic diseases. Identifiers: MedGen C0950123, MeSH D030342.

gnomAD v4.1: 13 of 1,604,308 alleles (0.00081%); highest among the groups gnomAD compares: South Asian, 0.0066%; no homozygotes.

Submission:

Ambry Genetics
Classification: Uncertain significance for Inborn genetic diseases. Last evaluated: 2026-02-09. Review status: criteria provided, single submitter. Criteria: Ambry Variant Classification Scheme 2023. Collection method: clinical testing. Allele origin: germline.
Comment: The c.1425+5G>A intronic alteration consists of a G to A substitution 5 nucleotides after exon 10 (coding exon 10) of the ARFGEF2 gene. Based on data from gnomAD, the A allele has an overall frequency of 0.002% (5/250882) total alleles studied. The highest observed frequency was 0.007% (2/30566) of South Asian alleles. This nucleotide position is not well conserved in available vertebrate species. In silico splice site analysis for this alteration is inconclusive. Based on insufficient or conflicting evidence, the clinical significance of this alteration remains unclear.